The following is an entry in ClinVar:

ClinVar aggregate classification (germline): Conflicting classifications of pathogenicity. Review status: criteria provided, conflicting classifications (1 of 4 stars). 5 submissions from 5 submitters: Uncertain significance (2); Likely benign (2). 1 of the submissions does not count toward it. Last evaluated 2026-01-26.

Conditions:
EVC-related disorder. Also called: EVC-related condition; EVC-related disorders.
Ellis-van Creveld syndrome (EVC). Also called: Chondroectodermal dysplasia; MESOECTODERMAL DYSPLASIA. Identifiers: Orphanet 289, MedGen C0013903, MONDO:0009162, OMIM 225500.
Curry-Hall syndrome (WAD). Also called: WEYERS ACRODENTAL DYSOSTOSIS. Identifiers: Orphanet 952, MedGen C0457013, MONDO:0008673, OMIM 193530.

Allele frequency attached by ClinVar (database versions not stated): TOPMed 0.00007; ESP Exome Variant Server 0.00008; 1000 Genomes Project 0.00040; 1000 Genomes Project 30x 0.00047.
gnomAD v4.1: 285 of 1,614,034 alleles (0.018%); highest among the groups gnomAD compares: South Asian, 0.2%; 3 homozygotes.

Submissions (5):

Labcorp Genetics (formerly Invitae), Labcorp
Classification: Likely benign for Curry-Hall syndrome; Ellis-van Creveld syndrome. Last evaluated: 2026-01-26. Review status: criteria provided, single submitter. Criteria: Invitae Variant Classification Sherloc (09022015). Collection method: clinical testing. Allele origin: germline.

Women's Health and Genetics/Laboratory Corporation of America, LabCorp
Classification: Likely benign. Last evaluated: 2024-02-14. Review status: criteria provided, single submitter. Criteria: LabCorp Variant Classification Summary - May 2015. Collection method: clinical testing. Allele origin: germline.
Comment: Variant summary: EVC c.1696G>A (p.Ala566Thr) results in a non-conservative amino acid change in the encoded protein sequence. Four of five in-silico tools predict a benign effect of the variant on protein function. The variant allele was found at a frequency of 0.00018 in 1614034 control chromosomes, predominantly at a frequency of 0.002 within the South Asian subpopulation in the gnomAD database, including 3 homozygotes, suggesting the variant is likely a benign polymorphism found primarily in individuals of South Asian ancestry. To our knowledge, no occurrence of c.1696G>A in individuals affected with Ellis-van Creveld syndrome and no experimental evidence demonstrating its impact on protein function have been reported. ClinVar contains an entry for this variant (Variation ID: 349184). Based on the evidence outlined above, the variant was classified as likely benign.

Genome-Nilou Lab
Classification: Uncertain significance for Ellis-van Creveld syndrome. Last evaluated: 2021-05-18. Review status: criteria provided, single submitter. Criteria: ACMG Guidelines, 2015. Collection method: clinical testing. Allele origin: germline. Affected: no.

Illumina Laboratory Services, Illumina
Classification: Uncertain significance for Ellis-van Creveld syndrome. Last evaluated: 2018-01-12. Review status: criteria provided, single submitter. Criteria: ICSL Variant Classification Criteria 13 December 2019. Collection method: clinical testing. Allele origin: germline.

PreventionGenetics, part of Exact Sciences
Classification: Likely benign for EVC-related condition. Last evaluated: 2024-05-20. Review status: no assertion criteria provided. Collection method: clinical testing. Allele origin: germline. Not counted in ClinVar's aggregate classification.
Comment: This variant is classified as likely benign based on ACMG/AMP sequence variant interpretation guidelines (Richards et al. 2015 PMID: 25741868, with internal and published modifications).

NM_153717.3(EVC):c.1696G>A (p.Ala566Thr)

Gene: EVC (EvC ciliary complex subunit 1; plus strand). Cytogenetic location: 4p16.2.
Variant type: single nucleotide variant.
Coding change: c.1696G>A on transcript NM_153717.3 (MANE Select); coding-DNA position 1696, G replaced by A.
Protein change: p.Ala566Thr; replaces alanine 566 with threonine.
Molecular consequence: missense variant.
Genome position (GRCh38, 1-based): chr4:5,783,684, G>A. VCF-style: chr4-5783684-G-A. GRCh37 (hg19) VCF-style: chr4-5785411-G-A.
Other names: c.1696G>A, p.Ala566Thr (NM_001306090.2); short protein forms A566T.
Identifiers: ClinVar variation 349184 (VCV000349184.22), dbSNP rs144943762, ClinGen allele CA2836229.